The following is an entry in ClinVar:

ClinVar aggregate classification (germline): Conflicting classifications of pathogenicity. Review status: criteria provided, conflicting classifications (1 of 4 stars). 7 submissions from 7 submitters: Uncertain significance (6); Likely benign (1). Last evaluated 2026-04-10.

Conditions:
Familial pancreatic carcinoma. Identifiers: Orphanet 1333, MedGen C2931038, MONDO:0015278, OMIM 260350.
Peutz-Jeghers syndrome (PJS). Also called: POLYPOSIS, HAMARTOMATOUS INTESTINAL; POLYPS-AND-SPOTS SYNDROME; Peutz-Jeghers polyposis; Periorificial lentiginosis syndrome. Identifiers: Orphanet 2869, MedGen C0031269, MeSH D010580, MONDO:0008280, OMIM 175200.
Hereditary cancer-predisposing syndrome. Also called: Neoplastic Syndromes, Hereditary; Tumor predisposition; Hereditary neoplastic syndrome; Hereditary Cancer Syndrome. Identifiers: Orphanet 140162, MedGen C0027672, MeSH D009386, MONDO:0015356.
Melanoma, cutaneous malignant, susceptibility to, 1 (CMM1). Also called: MELANOMA, MALIGNANT; B-K MOLE SYNDROME; DYSPLASTIC NEVUS SYNDROME, HEREDITARY; FAMILIAL ATYPICAL MOLE-MALIGNANT MELANOMA SYNDROME. Identifiers: Orphanet 618, MedGen C1835047, MONDO:0007963, OMIM 155600.

Allele frequency attached by ClinVar (database versions not stated): TOPMed below 0.00001; gnomAD 0.00001.
gnomAD v4.1: 3 of 1,613,506 alleles (0.00019%); highest among the groups gnomAD compares: Non-Finnish European, 0.00025%; no homozygotes.

Submissions (7):

Ambry Genetics
Classification: Uncertain significance for Hereditary cancer-predisposing syndrome. Last evaluated: 2026-04-10. Review status: criteria provided, single submitter. Criteria: Ambry Variant Classification Scheme 2023. Collection method: clinical testing. Allele origin: germline.
Comment: The p.R104W variant (also known as c.310A>T), located in coding exon 2 of the STK11 gene, results from an A to T substitution at nucleotide position 310. The arginine at codon 104 is replaced by tryptophan, an amino acid with dissimilar properties. This variant was reported in 1/60,466 breast cancer cases and in 0/53,461 controls (Dorling et al. N Engl J Med. 2021 02;384:428-439). This amino acid position is highly conserved in available vertebrate species. In addition, the in silico prediction for this alteration is inconclusive. Based on the available evidence, the clinical significance of this alteration remains unclear.

Labcorp Genetics (formerly Invitae), Labcorp
Classification: Likely benign for Peutz-Jeghers syndrome. Last evaluated: 2025-07-18. Review status: criteria provided, single submitter. Criteria: Invitae Variant Classification Sherloc (09022015). Collection method: clinical testing. Allele origin: germline.

Women's Health and Genetics/Laboratory Corporation of America, LabCorp
Classification: Uncertain significance. Last evaluated: 2025-01-13. Review status: criteria provided, single submitter. Criteria: LabCorp Variant Classification Summary - May 2015. Collection method: clinical testing. Allele origin: germline.
Comment: Variant summary: STK11 c.310A>T (p.Arg104Trp) results in a non-conservative amino acid change located in the Protein kinase domain (IPR000719) of the encoded protein sequence. Five of five in-silico tools predict a damaging effect of the variant on protein function. The variant was absent in 249174 control chromosomes (gnomAD). The available data on variant occurrences in the general population are insufficient to allow any conclusion about variant significance. To our knowledge, no occurrence of c.310A>T in individuals affected with Peutz-Jeghers Syndrome and no experimental evidence demonstrating its impact on protein function have been reported. ClinVar contains an entry for this variant (Variation ID: 142871). Based on the evidence outlined above, the variant was classified as uncertain significance.

Color Diagnostics, LLC DBA Color Health
Classification: Uncertain significance for Hereditary cancer-predisposing syndrome. Last evaluated: 2024-07-24. Review status: criteria provided, single submitter. Criteria: ACMG Guidelines, 2015. Collection method: clinical testing. Allele origin: germline.
Comment: This missense variant replaces arginine with tryptophan at codon 104 of the STK11 protein. Computational prediction suggests that this variant may have deleterious impact on protein structure and function. To our knowledge, functional studies have not been reported for this variant. This variant has not been reported in individuals affected with STK11-related disorders in the literature. This variant has been identified in 1/31378 chromosomes in the general population by the Genome Aggregation Database (gnomAD). The available evidence is insufficient to determine the role of this variant in disease conclusively. Therefore, this variant is classified as a Variant of Uncertain Significance.

Baylor Genetics
Classification: Uncertain significance for Melanoma, cutaneous malignant, susceptibility to, 1. Last evaluated: 2023-05-19. Review status: criteria provided, single submitter. Criteria: ACMG Guidelines, 2015. Collection method: clinical testing. Allele origin: unknown.

Department of Pathology and Laboratory Medicine, Sinai Health System
Classification: Uncertain significance for Peutz-Jeghers syndrome; Familial pancreatic carcinoma. Last evaluated: 2022-03-30. Review status: criteria provided, single submitter. Criteria: ACMG Guidelines, 2015. Collection method: clinical testing. Allele origin: germline. Affected: yes.

Genome-Nilou Lab
Classification: Uncertain significance for Peutz-Jeghers syndrome. Last evaluated: 2021-07-15. Review status: criteria provided, single submitter. Criteria: ACMG Guidelines, 2015. Collection method: clinical testing. Allele origin: germline. Affected: no.

Literature cited by the submitters: PubMed 33471991 (cited by Ambry Genetics); PubMed 31422574 (cited by Women's Health and Genetics/Laboratory Corporation of America, LabCorp); PubMed 31712642 (cited by Women's Health and Genetics/Laboratory Corporation of America, LabCorp).

NM_000455.5(STK11):c.310A>T (p.Arg104Trp)

Gene: STK11 (serine/threonine kinase 11; plus strand). Cytogenetic location: 19p13.3.
Variant type: single nucleotide variant.
Coding change: c.310A>T on transcript NM_000455.5 (MANE Select); coding-DNA position 310, A replaced by T.
Protein change: p.Arg104Trp; replaces arginine 104 with tryptophan.
Molecular consequence: missense variant.
Genome position (GRCh38, 1-based): chr19:1,218,436, A>T. VCF-style: chr19-1218436-A-T. GRCh37 (hg19) VCF-style: chr19-1218435-A-T.
Other names: short protein forms R104W.
Identifiers: ClinVar variation 142871 (VCV000142871.19), dbSNP rs587782783, ClinGen allele CA022815.